The following is an entry in ClinVar:

ClinVar aggregate classification (germline): Benign/Likely benign. Review status: criteria provided, multiple submitters, no conflicts (2 of 4 stars). 12 submissions from 12 submitters: Benign (4); Likely benign (6). 2 of the submissions do not count toward it. Last evaluated 2026-02-03.

Conditions:
Lymphangiomyomatosis (LAM). Also called: Lymphangioleiomyomatosis; Lymphangioleiomyomatosis, somatic. Identifiers: Orphanet 538, MedGen C0751674, MONDO:0011705, OMIM 606690.
Tuberous sclerosis 2 (TSC2). Identifiers: Orphanet 805, MedGen C1860707, MONDO:0013199, OMIM 613254.
Isolated focal cortical dysplasia type II (FCORD2). Also called: CORTICAL DYSPLASIA OF TAYLOR; Focal cortical dysplasia type II. Identifiers: Orphanet 268994, MedGen C1846385, MONDO:0011818, OMIM 607341, HP:0032051.
TSC2-related disorder. Also called: TSC2-Related Disorders; TSC2-related condition.
Hereditary cancer-predisposing syndrome. Also called: Tumor predisposition; Neoplastic Syndromes, Hereditary; Hereditary neoplastic syndrome; Hereditary Cancer Syndrome. Identifiers: Orphanet 140162, MedGen C0027672, MeSH D009386, MONDO:0015356.
Tuberous sclerosis syndrome (TSC). Also called: Tuberous Sclerosis Complex; Tuberous sclerosis. Identifiers: Orphanet 805, MedGen C0041341, MONDO:0001734.

Allele frequency attached by ClinVar (database versions not stated): ExAC 0.00004; gnomAD exomes 0.00005; TOPMed 0.00007; gnomAD 0.00008 and 0.00009.
gnomAD v4.1: 68 of 1,613,670 alleles (0.0042%); highest among the groups gnomAD compares: Admixed American, 0.017%; no homozygotes.

Submissions (12):

Labcorp Genetics (formerly Invitae), Labcorp
Classification: Benign for Tuberous sclerosis 2. Last evaluated: 2026-02-03. Review status: criteria provided, single submitter. Criteria: Invitae Variant Classification Sherloc (09022015). Collection method: clinical testing. Allele origin: germline.

KCCC/NGS Laboratory, Kuwait Cancer Control Center
Classification: Benign for Tuberous sclerosis 2. Last evaluated: 2025-02-01. Review status: criteria provided, single submitter. Criteria: ACMG Guidelines, 2015. Collection method: clinical testing. Allele origin: germline. Affected: no.

Blueprint Genetics
Classification: Likely benign. Last evaluated: 2024-11-27. Review status: criteria provided, single submitter. Criteria: ACMG Guidelines, 2015. Collection method: clinical testing. Allele origin: germline.

Myriad Genetics, Inc.
Classification: Benign for Tuberous sclerosis 2. Last evaluated: 2024-09-05. Review status: criteria provided, single submitter. Criteria: Myriad Autosomal Dominant, Autosomal Recessive and X-Linked Classification Criteria (2023). Collection method: clinical testing. Allele origin: unknown.
Comment: This variant is considered benign. Homozygosity has been confirmed in one or more individuals. As homozygosity for pathogenic variants in this gene is generally assumed to result in embryonic lethality, this variant is unlikely to be pathogenic. This variant has been observed at a population frequency that is significantly greater than expected given the associated disease prevalence and penetrance.

Color Diagnostics, LLC DBA Color Health
Classification: Likely benign for Tuberous sclerosis syndrome. Last evaluated: 2022-09-20. Review status: criteria provided, single submitter. Criteria: ACMG Guidelines, 2015. Collection method: clinical testing. Allele origin: germline.

Fulgent Genetics
Classification: Likely benign for Lymphangiomyomatosis; Isolated focal cortical dysplasia type II; Tuberous sclerosis 2. Last evaluated: 2021-12-27. Review status: criteria provided, single submitter. Criteria: ACMG Guidelines, 2015. Collection method: clinical testing. Allele origin: unknown.

Genome-Nilou Lab
Classification: Benign for Tuberous sclerosis 2. Last evaluated: 2021-11-07. Review status: criteria provided, single submitter. Criteria: ACMG Guidelines, 2015. Collection method: clinical testing. Allele origin: germline. Affected: no.

Sema4
Classification: Likely benign for Hereditary cancer-predisposing syndrome. Last evaluated: 2020-09-17. Review status: criteria provided, single submitter. Criteria: Sema4 Curation Guidelines. Collection method: curation. Allele origin: germline.

GeneDx
Classification: Likely benign. Last evaluated: 2020-09-03. Review status: criteria provided, single submitter. Criteria: GeneDx Variant Classification Process June 2021. Collection method: clinical testing. Allele origin: germline. Affected: yes.
Comment: This variant is associated with the following publications: (PMID: 23514105)

Ambry Genetics
Classification: Likely benign for Hereditary cancer-predisposing syndrome. Last evaluated: 2019-03-09. Review status: criteria provided, single submitter. Criteria: Ambry Variant Classification Scheme 2023. Collection method: clinical testing. Allele origin: germline.

PreventionGenetics, part of Exact Sciences
Classification: Likely benign for TSC2-related condition. Last evaluated: 2024-06-07. Review status: no assertion criteria provided. Collection method: clinical testing. Allele origin: germline. Not counted in ClinVar's aggregate classification.
Comment: This variant is classified as likely benign based on ACMG/AMP sequence variant interpretation guidelines (Richards et al. 2015 PMID: 25741868, with internal and published modifications).

Tuberous sclerosis database (TSC2)
No classification provided. Condition: TSC. Review status: no classification provided. Criteria: Tuberous Sclerosis Database Assertion Criteria 2015. Collection method: curation. Allele origin: germline. Affected: yes. Not counted in ClinVar's aggregate classification.

NM_000548.5(TSC2):c.1628C>T (p.Pro543Leu)

Gene: TSC2 (TSC complex subunit 2; plus strand). Cytogenetic location: 16p13.3.
Variant type: single nucleotide variant.
Coding change: c.1628C>T on transcript NM_000548.5 (MANE Select); coding-DNA position 1628, C replaced by T.
Protein change: p.Pro543Leu; replaces proline 543 with leucine.
Molecular consequence: missense variant.
Genome position (GRCh38, 1-based): chr16:2,065,547, C>T. VCF-style: chr16-2065547-C-T. GRCh37 (hg19) VCF-style: chr16-2115548-C-T.
Other names: p.P543L:CCG>CTG; c.1628C>T, p.Pro543Leu (NM_001077183.3, NM_001114382.3, NM_001363528.2 and 3 more transcripts); c.1517C>T, p.Pro506Leu (NM_001318827.2); c.1481C>T, p.Pro494Leu (NM_001318829.2); c.1028C>T, p.Pro343Leu (NM_001318831.2); c.1661C>T, p.Pro554Leu (NM_001318832.2); c.1628C>T (NM_000548.4); short protein forms P543L, P506L, P554L, P343L, P494L.
Identifiers: ClinVar variation 49671 (VCV000049671.25), dbSNP rs45517188, ClinGen allele CA015358.